The following is an entry in ClinVar:

ClinVar aggregate classification (germline): Benign. Review status: criteria provided, multiple submitters, no conflicts (2 of 4 stars). 2 submissions from 2 submitters: Benign (2). Last evaluated 2018-06-19.

Allele frequency attached by ClinVar (database versions not stated): gnomAD 0.08928 and 0.09046; gnomAD exomes 0.11547; 1000 Genomes Project 0.05052; 1000 Genomes Project 30x 0.05294; TOPMed 0.08884.
gnomAD v4.1: 101,413 of 916,936 alleles (11%); highest among the groups gnomAD compares: Admixed American, 15%; 6,459 homozygotes.

Submissions (2):

GeneDx
Classification: Benign. Last evaluated: 2018-06-19. Review status: criteria provided, single submitter. Criteria: GeneDx Variant Classification (06012015). Collection method: clinical testing. Allele origin: germline. Affected: yes.
Comment: This variant is considered likely benign or benign based on one or more of the following criteria: it is a conservative change, it occurs at a poorly conserved position in the protein, it is predicted to be benign by multiple in silico algorithms, and/or has population frequency not consistent with disease.

Breakthrough Genomics
Classification: Benign. Review status: criteria provided, single submitter. Criteria: ACMG Guidelines, 2015. Collection method: not provided. Allele origin: germline. Inheritance: Autosomal dominant inheritance. Affected: yes.

NM_024334.3(TMEM43):c.298-106C>T

Gene: TMEM43 (transmembrane protein 43; plus strand). Cytogenetic location: 3p25.1.
Variant type: single nucleotide variant.
Coding change: c.298-106C>T on transcript NM_024334.3 (MANE Select); 106 bases into the intron before coding-DNA position 298, C replaced by T.
Molecular consequence: intron variant.
Genome position (GRCh38, 1-based): chr3:14,131,474, C>T. VCF-style: chr3-14131474-C-T. GRCh37 (hg19) VCF-style: chr3-14172974-C-T.
Identifiers: ClinVar variation 672404 (VCV000672404.2), dbSNP rs3964375, ClinGen allele CA11548270.
Genomic context (GRCh38, chr3:14,131,474, plus strand): 5'-GACAGGGAGTGTCCTCGATTCTCCCCTGCAAAGCAGTGTAGGGCTCTCCACCCTTGTCCC[C>T]TTCTCTATTTCTTCCTCTTCCAGTCCAGCTTCCCCTGAGCCAGGCTTTCTGGGCTGACGT-3'